The following is an entry in ClinVar:

NM_000536.4(RAG2):c.1441C>G (p.His481Asp)

Gene: RAG2 (recombination activating 2; minus strand). Cytogenetic location: 11p12.
Variant type: single nucleotide variant.
Coding change: c.1441C>G on transcript NM_000536.4 (MANE Select); coding-DNA position 1441, C replaced by G.
Protein change: p.His481Asp; replaces histidine 481 with aspartic acid.
Molecular consequence: missense variant.
Genome position (GRCh38, 1-based): chr11:36,592,728, G>C on the plus strand (C>G on the coding strand, the complement: RAG2 is on the minus strand). VCF-style: chr11-36592728-G-C. GRCh37 (hg19) VCF-style: chr11-36614278-G-C.
Other names: c.1441C>G, p.His481Asp (NM_001243785.2, NM_001243786.2); short protein forms H481D.
Identifiers: ClinVar variation 2935560 (VCV002935560.3), dbSNP rs762054841, ClinGen allele CA5950415.

ClinVar aggregate classification (germline): Pathogenic (1 of 4 stars; one submission).

Conditions:
Combined immunodeficiency with skin granulomas. Identifiers: Orphanet 157949, MedGen C2673536, MONDO:0009306, OMIM 233650.
Severe combined immunodeficiency, autosomal recessive, T cell-negative, B cell-negative, NK cell-positive. Also called: SCID, T CELL-NEGATIVE, B CELL-NEGATIVE, NK CELL-POSITIVE; Severe combined immunodeficiency due to complete RAG1/2 deficiency; SCID, AR, T-cell negative, B-cell negative, NK cell-positive. Identifiers: Orphanet 331206, MedGen C1832322, MONDO:0011086, OMIM 601457.

Allele frequency attached by ClinVar (database versions not stated): gnomAD exomes below 0.00001; ExAC 0.00001.
gnomAD v4.1: 2 of 1,605,828 alleles (0.00012%); highest among the groups gnomAD compares: Admixed American, 0.0034%; no homozygotes.

Submission:

Labcorp Genetics (formerly Invitae), Labcorp
Classification: Pathogenic for Combined immunodeficiency with skin granulomas; Severe combined immunodeficiency, autosomal recessive, T cell-negative, B cell-negative, NK cell-positive. Last evaluated: 2023-08-06. Review status: criteria provided, single submitter. Criteria: Invitae Variant Classification Sherloc (09022015). Collection method: clinical testing. Allele origin: germline.
Comment: Advanced modeling of protein sequence and biophysical properties (such as structural, functional, and spatial information, amino acid conservation, physicochemical variation, residue mobility, and thermodynamic stability) performed at Invitae indicates that this missense variant is expected to disrupt RAG2 protein function. For these reasons, this variant has been classified as Pathogenic. This variant disrupts the p.His481 amino acid residue in RAG2. Other variant(s) that disrupt this residue have been observed in individuals with RAG2-related conditions (PMID: 12200379, 32445296, 33954879), which suggests that this may be a clinically significant amino acid residue. This missense change has been observed in individual(s) with severe combined immunodeficiency (PMID: 33954879). This variant is present in population databases (rs762054841, gnomAD 0.006%). This sequence change replaces histidine, which is basic and polar, with aspartic acid, which is acidic and polar, at codon 481 of the RAG2 protein (p.His481Asp).

Literature cited by the submitters: PubMed 12200379; PubMed 32445296; PubMed 33954879.